The following is an entry in ClinVar:

ClinVar aggregate classification (germline): Uncertain significance (1 of 4 stars; one submission).

Conditions:
Hypertrophic cardiomyopathy. Also called: HYPERTROPHIC MYOCARDIOPATHY. Identifiers: Orphanet 217569, MedGen C0007194, MeSH D002312, MONDO:0005045, HP:0001639.

Submission:

Labcorp Genetics (formerly Invitae), Labcorp
Classification: Uncertain significance for Hypertrophic cardiomyopathy. Last evaluated: 2022-06-28. Review status: criteria provided, single submitter. Criteria: Invitae Variant Classification Sherloc (09022015). Collection method: clinical testing. Allele origin: germline.
Comment: This sequence change replaces glutamine, which is neutral and polar, with arginine, which is basic and polar, at codon 1058 of the MYOM1 protein (p.Gln1058Arg). This variant is not present in population databases (gnomAD no frequency). In summary, the available evidence is currently insufficient to determine the role of this variant in disease. Therefore, it has been classified as a Variant of Uncertain Significance. Algorithms developed to predict the effect of missense changes on protein structure and function (SIFT, PolyPhen-2, Align-GVGD) all suggest that this variant is likely to be tolerated. This variant has not been reported in the literature in individuals affected with MYOM1-related conditions.

NM_003803.4(MYOM1):c.3173A>G (p.Gln1058Arg)

Gene: MYOM1 (myomesin 1; minus strand). Cytogenetic location: 18p11.31.
Variant type: single nucleotide variant.
Coding change: c.3173A>G on transcript NM_003803.4 (MANE Select); coding-DNA position 3173, A replaced by G.
Protein change: p.Gln1058Arg; replaces glutamine 1058 with arginine.
Molecular consequence: missense variant.
Genome position (GRCh38, 1-based): chr18:3,116,461, T>C on the plus strand (A>G on the coding strand, the complement: MYOM1 is on the minus strand). VCF-style: chr18-3116461-T-C. GRCh37 (hg19) VCF-style: chr18-3116459-T-C.
Other names: c.2885A>G, p.Gln962Arg (NM_019856.2); short protein forms Q1058R, Q962R.
Identifiers: ClinVar variation 2123865 (VCV002123865.4), dbSNP rs2510590231, ClinGen allele CA401705936.
Genomic context (GRCh38, chr18:3,116,461, plus strand): 5'-TTCAAGTCCACGAAGTAACCAGTGACCGGAGTCCGCCCGGAGTGGACTGGCGGCTTCCAC[T>C]GGAGAACCAGTGAGTCTTTCCTGACTTCACTACACTTGAGACTGTGCGGTGGTCCTGAGA-3'
Protein context (NP_003794.3, residues 1048-1068): SEVRKDSLVL[Gln1058Arg]WKPPVHSGRT